The following is an entry in ClinVar:

ClinVar aggregate classification (germline): Conflicting classifications of pathogenicity. Review status: criteria provided, conflicting classifications (1 of 4 stars). 2 submissions from 2 submitters: Uncertain significance (1); Likely benign (1). Last evaluated 2025-09-27.

Allele frequency attached by ClinVar (database versions not stated): gnomAD exomes 0.00003; ExAC 0.00005.
gnomAD v4.1: 16 of 1,591,862 alleles (0.001%); highest among the groups gnomAD compares: Non-Finnish European, 0.0011%; no homozygotes.

Submissions (2):

Mayo Clinic Laboratories, Mayo Clinic
Classification: Uncertain significance. Last evaluated: 2025-09-27. Review status: criteria provided, single submitter. Criteria: ACMG Guidelines, 2015. Collection method: clinical testing. Allele origin: germline. Observed: 1 variant allele.
Comment: BP4_moderate

GeneDx
Classification: Likely benign. Last evaluated: 2018-05-01. Review status: criteria provided, single submitter. Criteria: GeneDx Variant Classification Process June 2021. Collection method: clinical testing. Allele origin: germline. Affected: yes.

NM_001267550.2(TTN):c.23114C>T (p.Thr7705Ile)

Gene: TTN (titin; minus strand). Cytogenetic location: 2q31.2.
Variant type: single nucleotide variant.
Coding change: c.23114C>T on transcript NM_001267550.2 (MANE Select); coding-DNA position 23114, C replaced by T.
Protein change: p.Thr7705Ile; replaces threonine 7705 with isoleucine.
Molecular consequence: missense variant. On other transcripts: intron variant (3).
Genome position (GRCh38, 1-based): chr2:178,720,648, G>A on the plus strand (C>T on the coding strand, the complement: TTN is on the minus strand). VCF-style: chr2-178720648-G-A. GRCh37 (hg19) VCF-style: chr2-179585375-G-A.
Other names: p.Thr6461Ile; c.22163C>T, p.Thr7388Ile (NM_001256850.1); c.19382C>T, p.Thr6461Ile (NM_133378.4); c.13282+17434C>T (NM_003319.4); c.13858+17434C>T (NM_133437.4); c.13657+17434C>T (NM_133432.3); short protein forms T7388I, T7705I, T6461I.
Identifiers: ClinVar variation 506554 (VCV000506554.4), dbSNP rs772162626, ClinGen allele CA2000697.
Genomic context (GRCh38, chr2:178,720,648, plus strand): 5'-ATTTCACATTGGAGAATCACATCAGAACCTTTAAGAGCTCCTACTGGAGAAGGCTTCTGG[G>A]TGAAAACAGGAGGTGCTACCAGAAAAAAGGAGATAAACAATGAGAACACTTGCTTACTAT-3'
Protein context (NP_001254479.2, residues 7695-7715): ALTVKAPPVF[Thr7705Ile]QKPSPVGALK